The following is an entry in ClinVar:

NM_004006.3(DMD):c.5127A>C (p.Lys1709Asn)

Gene: DMD (dystrophin; minus strand). Cytogenetic location: Xp21.1.
Variant type: single nucleotide variant.
Coding change: c.5127A>C on transcript NM_004006.3 (MANE Select); coding-DNA position 5127, A replaced by C.
Protein change: p.Lys1709Asn; replaces lysine 1709 with asparagine.
Molecular consequence: missense variant.
Genome position (GRCh38, 1-based): chrX:32,364,609, T>G on the plus strand (A>C on the coding strand, the complement: DMD is on the minus strand). VCF-style: chrX-32364609-T-G. GRCh37 (hg19) VCF-style: chrX-32382726-T-G.
Other names: c.5103A>C, p.Lys1701Asn (NM_000109.4); c.5115A>C, p.Lys1705Asn (NM_004009.3); c.4758A>C, p.Lys1586Asn (NM_004010.3); c.1104A>C, p.Lys368Asn (NM_004011.4); c.1095A>C, p.Lys365Asn (NM_004012.4); short protein forms K1709N, K365N, K1701N, K1586N, K1705N, K368N.
Identifiers: ClinVar variation 2173940 (VCV002173940.4), dbSNP rs1424806792, ClinGen allele CA412671467.

ClinVar aggregate classification (germline): Uncertain significance (1 of 4 stars; one submission).

Conditions:
Duchenne muscular dystrophy (DMD). Also called: MUSCULAR DYSTROPHY, PSEUDOHYPERTROPHIC PROGRESSIVE, DUCHENNE TYPE; Duchenne Muscular Dystrophy (DMD). Identifiers: Orphanet 98896, MedGen C0013264, MONDO:0010679, OMIM 310200.

Submission:

Labcorp Genetics (formerly Invitae), Labcorp
Classification: Uncertain significance for Duchenne muscular dystrophy. Last evaluated: 2022-03-19. Review status: criteria provided, single submitter. Criteria: Invitae Variant Classification Sherloc (09022015). Collection method: clinical testing. Allele origin: germline.
Comment: Algorithms developed to predict the effect of missense changes on protein structure and function are either unavailable or do not agree on the potential impact of this missense change (SIFT: "Tolerated"; PolyPhen-2: "Possibly Damaging"; Align-GVGD: "Class C25"). This sequence change replaces lysine, which is basic and polar, with asparagine, which is neutral and polar, at codon 1709 of the DMD protein (p.Lys1709Asn). This variant is not present in population databases (gnomAD no frequency). This variant has not been reported in the literature in individuals affected with DMD-related conditions. In summary, the available evidence is currently insufficient to determine the role of this variant in disease. Therefore, it has been classified as a Variant of Uncertain Significance.